The following is an entry in ClinVar:

NM_031935.3(HMCN1):c.8929G>A (p.Val2977Met)

Gene: HMCN1 (hemicentin 1; plus strand). Cytogenetic location: 1q31.1.
Variant type: single nucleotide variant.
Coding change: c.8929G>A on transcript NM_031935.3 (MANE Select); coding-DNA position 8929, G replaced by A.
Protein change: p.Val2977Met; replaces valine 2977 with methionine.
Molecular consequence: missense variant.
Genome position (GRCh38, 1-based): chr1:186,086,290, G>A. VCF-style: chr1-186086290-G-A. GRCh37 (hg19) VCF-style: chr1-186055422-G-A.
Other names: short protein forms V2977M.
Identifiers: ClinVar variation 294202 (VCV000294202.8), dbSNP rs556443296, ClinGen allele CA10608544.
Genomic context (GRCh38, chr1:186,086,290, plus strand): 5'-ATATTTACTATTATAGTTCCTCCAAGTGTCATTGGTCCTAAATCTGAAAATCTTACCGTC[G>A]TGGTGAACAATTTCATCTCTTTGACCTGTGAGGTCTCTGGTTTTCCACCTCCTGACCTCA-3'
Protein context (NP_114141.2, residues 2967-2987): IGPKSENLTV[Val2977Met]VNNFISLTCE

ClinVar aggregate classification (germline): Uncertain significance. Review status: criteria provided, multiple submitters, no conflicts (2 of 4 stars). 2 submissions from 2 submitters: Uncertain significance (2). Last evaluated 2023-11-02.

Conditions:
Age related macular degeneration 1 (ARMD1). Also called: MACULOPATHY, AGE-RELATED, 1. Identifiers: MedGen C1864205, MONDO:0011285, OMIM 603075.

Allele frequency attached by ClinVar (database versions not stated): gnomAD 0.00001; gnomAD exomes 0.00001; TOPMed 0.00001.
gnomAD v4.1: 16 of 1,612,996 alleles (0.00099%); highest among the groups gnomAD compares: Middle Eastern, 0.016%; no homozygotes.

Submissions (2):

Labcorp Genetics (formerly Invitae), Labcorp
Classification: Uncertain significance. Last evaluated: 2023-11-02. Review status: criteria provided, single submitter. Criteria: Invitae Variant Classification Sherloc (09022015). Collection method: clinical testing. Allele origin: germline.
Comment: This sequence change replaces valine, which is neutral and non-polar, with methionine, which is neutral and non-polar, at codon 2977 of the HMCN1 protein (p.Val2977Met). This variant is present in population databases (rs556443296, gnomAD 0.006%). This variant has not been reported in the literature in individuals affected with HMCN1-related conditions. ClinVar contains an entry for this variant (Variation ID: 294202). An algorithm developed to predict the effect of missense changes on protein structure and function (PolyPhen-2) suggests that this variant is likely to be disruptive. In summary, the available evidence is currently insufficient to determine the role of this variant in disease. Therefore, it has been classified as a Variant of Uncertain Significance.

Illumina Laboratory Services, Illumina
Classification: Uncertain significance for Age related macular degeneration 1. Last evaluated: 2018-01-12. Review status: criteria provided, single submitter. Criteria: ICSL Variant Classification Criteria 13 December 2019. Collection method: clinical testing. Allele origin: germline.